The following is an entry in ClinVar:

NM_001440.4(EXTL3):c.560G>A (p.Arg187His)

Gene: EXTL3 (exostosin like glycosyltransferase 3; plus strand). Cytogenetic location: 8p21.1.
Variant type: single nucleotide variant.
Coding change: c.560G>A on transcript NM_001440.4 (MANE Select); coding-DNA position 560, G replaced by A.
Protein change: p.Arg187His; replaces arginine 187 with histidine.
Molecular consequence: missense variant.
Genome position (GRCh38, 1-based): chr8:28,716,619, G>A. VCF-style: chr8-28716619-G-A. GRCh37 (hg19) VCF-style: chr8-28574136-G-A.
Other names: c.560G>A (NM_001440.2); short protein forms R187H.
Identifiers: ClinVar variation 1392291 (VCV001392291.8), dbSNP rs201375409, ClinGen allele CA4696025.
Genomic context (GRCh38, chr8:28,716,619, plus strand): 5'-GCCTCCCTCCCCCGAAGGCCACTCGGGGCTGCCGGCTACACAACTGCTTTGATTATTCTC[G>A]TTGCCCTCTCACCTCTGGCTTCCCGGTCTACGTCTATGACAGTGACCAGTTTGTCTTTGG-3'
Protein context (NP_001431.1, residues 177-197): CRLHNCFDYS[Arg187His]CPLTSGFPVY

ClinVar aggregate classification (germline): Uncertain significance. Review status: criteria provided, multiple submitters, no conflicts (2 of 4 stars). 3 submissions from 3 submitters: Uncertain significance (3). Last evaluated 2026-01-18.

Conditions:
Inborn genetic diseases. Identifiers: MedGen C0950123, MeSH D030342.

Allele frequency attached by ClinVar (database versions not stated): gnomAD 0.00003 and 0.00004; TOPMed 0.00004; gnomAD exomes 0.00005 and 0.00007; ExAC 0.00006; 1000 Genomes Project 30x 0.00016; 1000 Genomes Project 0.00020.
gnomAD v4.1: 103 of 1,614,192 alleles (0.0064%); highest among the groups gnomAD compares: Middle Eastern, 0.049%; no homozygotes.

Submissions (3):

Labcorp Genetics (formerly Invitae), Labcorp
Classification: Uncertain significance. Last evaluated: 2026-01-18. Review status: criteria provided, single submitter. Criteria: Invitae Variant Classification Sherloc (09022015). Collection method: clinical testing. Allele origin: germline.
Comment: This sequence change replaces arginine, which is basic and polar, with histidine, which is basic and polar, at codon 187 of the EXTL3 protein (p.Arg187His). This variant is present in population databases (rs201375409, gnomAD 0.01%). This variant has not been reported in the literature in individuals affected with EXTL3-related conditions. ClinVar contains an entry for this variant (Variation ID: 1392291). Invitae Evidence Modeling of protein sequence and biophysical properties (such as structural, functional, and spatial information, amino acid conservation, physicochemical variation, residue mobility, and thermodynamic stability) indicates that this missense variant is not expected to disrupt EXTL3 protein function with a negative predictive value of 80%. In summary, the available evidence is currently insufficient to determine the role of this variant in disease. Therefore, it has been classified as a Variant of Uncertain Significance.

Ambry Genetics
Classification: Uncertain significance for Inborn genetic diseases. Last evaluated: 2025-11-08. Review status: criteria provided, single submitter. Criteria: Ambry Variant Classification Scheme 2023. Collection method: clinical testing. Allele origin: germline.

Blueprint Genetics
Classification: Uncertain significance. Last evaluated: 2024-09-20. Review status: criteria provided, single submitter. Criteria: ACMG Guidelines, 2015. Collection method: clinical testing. Allele origin: germline.